The following is an entry in ClinVar:

NM_000540.3(RYR1):c.11929C>G (p.Gln3977Glu)

Gene: RYR1 (ryanodine receptor 1; plus strand). Cytogenetic location: 19q13.2.
Variant type: single nucleotide variant.
Coding change: c.11929C>G on transcript NM_000540.3 (MANE Select); coding-DNA position 11929, C replaced by G.
Protein change: p.Gln3977Glu; replaces glutamine 3977 with glutamic acid.
Molecular consequence: missense variant.
Genome position (GRCh38, 1-based): chr19:38,543,792, C>G. VCF-style: chr19-38543792-C-G. GRCh37 (hg19) VCF-style: chr19-39034432-C-G.
Other names: c.11914C>G, p.Gln3972Glu (NM_001042723.2); short protein forms Q3972E, Q3977E.
Identifiers: ClinVar variation 3772186 (VCV003772186.13).

ClinVar aggregate classification (germline): Uncertain significance (1 of 4 stars; one submission).

gnomAD v4.1: 1 of 1,613,704 alleles (0.000062%); highest among the groups gnomAD compares: Non-Finnish European, 0.000085%; no homozygotes.

Submission:

CeGaT Center for Human Genetics Tuebingen
Classification: Uncertain significance. Last evaluated: 2024-12-01. Review status: criteria provided, single submitter. Criteria: CeGaT Center For Human Genetics Tuebingen Variant Classification Criteria Version 2. Collection method: clinical testing. Allele origin: germline. Affected: yes. Observed: 1 variant allele.
Comment: RYR1: PM2, PP3